The following is an entry in ClinVar:

NM_000128.4(F11):c.1208_1209del (p.Val403fs)

Gene: F11 (coagulation factor XI; plus strand). Cytogenetic location: 4q35.2.
Variant type: Deletion.
Coding change: c.1208_1209del on transcript NM_000128.4 (MANE Select); coding-DNA positions 1208 to 1209, 2 bases deleted (TG; older notation c.1208_1209delTG).
Protein change: p.Val403fs; shifts the reading frame from valine 403.
Molecular consequence: frameshift variant.
Genome position (GRCh38, 1-based): chr4:186,284,164-186,284,165, TG deleted; deleting any 2 consecutive bases within chr4:186,284,163-186,284,165 gives the same sequence; the c. name uses the placement nearest the transcript's 3' end. VCF-style (leftmost placement, unchanged base first): chr4-186284162-GGT-G. GRCh37 (hg19) VCF-style: chr4-187205316-GGT-G.
Other names: c.1160_1161del, p.Val387fs (NM_001440590.1, NM_001440596.1); c.1208_1209del, p.Val403fs (NM_001440593.1); c.938_939del, p.Val313fs (NM_001440605.1, NM_001440607.1); c.890_891del, p.Val297fs (NM_001440606.1, NM_001440608.1); short protein forms V297fs, V313fs, V387fs, V403fs.
Identifiers: ClinVar variation 5010492 (VCV005010492.1).

ClinVar aggregate classification (germline): Pathogenic (1 of 4 stars; one submission).

Conditions:
Hereditary factor XI deficiency disease. Also called: PLASMA THROMBOPLASTIN ANTECEDENT DEFICIENCY; PTA DEFICIENCY; ROSENTHAL SYNDROME; Congenital factor XI deficiency. Identifiers: Orphanet 329, MedGen C0015523, MeSH D005173, MONDO:0012897, OMIM 612416.

Submission:

Myriad Genetics, Inc.
Classification: Pathogenic for Hereditary factor XI deficiency disease. Last evaluated: 2024-05-14. Review status: criteria provided, single submitter. Criteria: Myriad Autosomal Dominant, Autosomal Recessive and X-Linked Classification Criteria (2023). Collection method: clinical testing. Allele origin: unknown.
Comment: NM_000128.3(F11):c.1208_1209delTG(V403Dfs*37) is expected to be pathogenic in the context of factor XI deficiency. This variant is predicted to lead to an abnormal or absent protein product due to the creation of a premature termination codon in F11, a gene where loss-of-function variants are known to be pathogenic. Please note: this variant was assessed in the context of healthy population screening.